The following is an entry in ClinVar:

NM_172245.4(CSF2RA):c.35A>G (p.Glu12Gly)

Gene: CSF2RA (colony stimulating factor 2 receptor subunit alpha; plus strand). Cytogenetic location: Xp22.33.
Variant type: single nucleotide variant.
Coding change: c.35A>G on transcript NM_172245.4 (MANE Select); coding-DNA position 35, A replaced by G.
Protein change: p.Glu12Gly; replaces glutamic acid 12 with glycine.
Molecular consequence: missense variant. On other transcripts: 5 prime UTR variant (1), non-coding transcript variant (1).
Genome position (GRCh38, 1-based): chrX:1,282,738, A>G. VCF-style: chrX-1282738-A-G. GRCh37 (hg19) VCF-style: chrX-1401631-A-G.
Other names: c.35A>G, p.Glu12Gly (NM_001161529.2, NM_001161530.2, NM_001161531.2 and 21 more transcripts); c.-222A>G (NM_001161532.2); short protein forms E12G.
Identifiers: ClinVar variation 1974525 (VCV001974525.3), dbSNP rs752275921, ClinGen allele CA10330609.

ClinVar aggregate classification (germline): Uncertain significance (1 of 4 stars; one submission).

Conditions:
Surfactant metabolism dysfunction, pulmonary, 4 (SMDP4). Also called: PAP DUE TO CSF2RA DEFICIENCY; PULMONARY ALVEOLAR PROTEINOSIS, CONGENITAL, 4; CSF2RA DEFICIENCY. Identifiers: Orphanet 264675, MedGen C2677877, MONDO:0010424, OMIM 300770.

Allele frequency attached by ClinVar (database versions not stated): gnomAD exomes below 0.00001; ExAC 0.00001.

Submission:

Labcorp Genetics (formerly Invitae), Labcorp
Classification: Uncertain significance for Surfactant metabolism dysfunction, pulmonary, 4. Last evaluated: 2021-12-24. Review status: criteria provided, single submitter. Criteria: Invitae Variant Classification Sherloc (09022015). Collection method: clinical testing. Allele origin: germline.
Comment: This variant is present in population databases (no rsID available, gnomAD 0.003%). In summary, the available evidence is currently insufficient to determine the role of this variant in disease. Therefore, it has been classified as a Variant of Uncertain Significance. Algorithms developed to predict the effect of missense changes on protein structure and function are either unavailable or do not agree on the potential impact of this missense change (SIFT: "Tolerated"; PolyPhen-2: "Not Available"; Align-GVGD: "Class C0"). This variant has not been reported in the literature in individuals affected with CSF2RA-related conditions. This sequence change replaces glutamic acid, which is acidic and polar, with glycine, which is neutral and non-polar, at codon 12 of the CSF2RA protein (p.Glu12Gly).